The following is an entry in ClinVar:

ClinVar aggregate classification (germline): Pathogenic. Review status: criteria provided, single submitter (1 of 4 stars). 6 submissions from 6 submitters: Pathogenic (1). 5 of the submissions do not count toward it. Last evaluated 2025-03-18.

Conditions:
Arterial tortuosity syndrome (ATORS). Identifiers: Orphanet 3342, MedGen C1859726, MONDO:0008818, OMIM 208050.

Submissions (6):

First Genomix Gene Laboratory, Genetic Diagnostics Department
Classification: Pathogenic for Arterial tortuosity syndrome. Last evaluated: 2025-03-18. Review status: criteria provided, single submitter. Criteria: ACMG Guidelines, 2015. Collection method: clinical testing. Allele origin: germline. Inheritance: Autosomal recessive inheritance. Affected: no. Observed: 1 variant allele.

Equipe Genetique des Anomalies du Developpement, Université de Bourgogne
Classification: Pathogenic for Arterial tortuosity syndrome. Last evaluated: 2020-09-25. Review status: no assertion criteria provided. Collection method: clinical testing. Allele origin: unknown. Affected: yes. Not counted in ClinVar's aggregate classification.

OMIM
Classification: Pathogenic for ARTERIAL TORTUOSITY SYNDROME. Last evaluated: 2006-04-01. Review status: no assertion criteria provided. Collection method: literature only. Allele origin: germline. Not counted in ClinVar's aggregate classification.

Clinical Genetics DNA and cytogenetics Diagnostics Lab, Erasmus MC, Erasmus Medical Center
Classification: Pathogenic. Review status: no assertion criteria provided. Collection method: clinical testing. Allele origin: germline. Affected: yes. Study: VKGL Data-share Consensus. Not counted in ClinVar's aggregate classification.

GeneReviews
No classification provided. Condition: Arterial tortuosity syndrome. Review status: no classification provided. Collection method: literature only. Allele origin: germline. Affected: yes. Not counted in ClinVar's aggregate classification.

Genome Diagnostics Laboratory, Amsterdam University Medical Center
Classification: Pathogenic. Review status: no assertion criteria provided. Collection method: clinical testing. Allele origin: germline. Affected: yes. Study: VKGL Data-share Consensus. Not counted in ClinVar's aggregate classification.

Literature cited by the submitters: PubMed 16550171 (cited by OMIM and GeneReviews); PubMed 23410549 (cited by GeneReviews); NCBI Bookshelf NBK253404 (cited by GeneReviews).

NM_030777.4(SLC2A10):c.510G>A (p.Trp170Ter)

Gene: SLC2A10 (solute carrier family 2 member 10; plus strand). Cytogenetic location: 20q13.12.
Variant type: single nucleotide variant.
Coding change: c.510G>A on transcript NM_030777.4 (MANE Select); coding-DNA position 510, G replaced by A.
Protein change: p.Trp170Ter; replaces tryptophan 170 with a stop codon.
Molecular consequence: nonsense.
Genome position (GRCh38, 1-based): chr20:46,725,546, G>A. VCF-style: chr20-46725546-G-A. GRCh37 (hg19) VCF-style: chr20-45354185-G-A.
Other names: short protein forms W170*.
Identifiers: ClinVar variation 4585 (VCV000004585.8), dbSNP rs80358229, ClinGen allele CA340263.